The following is an entry in ClinVar:

NM_031935.3(HMCN1):c.3695C>T (p.Thr1232Met)

Gene: HMCN1 (hemicentin 1; plus strand). Cytogenetic location: 1q31.1.
Variant type: single nucleotide variant.
Coding change: c.3695C>T on transcript NM_031935.3 (MANE Select); coding-DNA position 3695, C replaced by T.
Protein change: p.Thr1232Met; replaces threonine 1232 with methionine.
Molecular consequence: missense variant.
Genome position (GRCh38, 1-based): chr1:185,995,004, C>T. VCF-style: chr1-185995004-C-T. GRCh37 (hg19) VCF-style: chr1-185964136-C-T.
Other names: short protein forms T1232M.
Identifiers: ClinVar variation 294135 (VCV000294135.39), dbSNP rs146418772, ClinGen allele CA1291789.

ClinVar aggregate classification (germline): Benign/Likely benign. Review status: criteria provided, multiple submitters, no conflicts (2 of 4 stars). 5 submissions from 5 submitters: Benign (1); Likely benign (4). Last evaluated 2026-01-19.

Conditions:
Age related macular degeneration 1 (ARMD1). Also called: MACULOPATHY, AGE-RELATED, 1. Identifiers: MedGen C1864205, MONDO:0011285, OMIM 603075.

Allele frequency attached by ClinVar (database versions not stated): 1000 Genomes Project 30x 0.00094; 1000 Genomes Project 0.00100; TOPMed 0.00246; ESP Exome Variant Server 0.00315; gnomAD exomes 0.00410 and 0.00537; gnomAD 0.00526 and 0.00555; ExAC 0.00572.
gnomAD v4.1: 6,739 of 1,613,802 alleles (0.42%); highest among the groups gnomAD compares: Non-Finnish European, 0.39%; 55 homozygotes.

Submissions (5):

Labcorp Genetics (formerly Invitae), Labcorp
Classification: Benign. Last evaluated: 2026-01-19. Review status: criteria provided, single submitter. Criteria: Invitae Variant Classification Sherloc (09022015). Collection method: clinical testing. Allele origin: germline.

Genome-Nilou Lab
Classification: Likely benign for Age related macular degeneration 1. Last evaluated: 2023-04-11. Review status: criteria provided, single submitter. Criteria: ACMG Guidelines, 2015. Collection method: clinical testing. Allele origin: germline. Affected: no.

CeGaT Center for Human Genetics Tuebingen
Classification: Likely benign. Last evaluated: 2023-04-01. Review status: criteria provided, single submitter. Criteria: CeGaT Center For Human Genetics Tuebingen Variant Classification Criteria Version 2. Collection method: clinical testing. Allele origin: germline. Affected: yes. Observed: 1 variant allele.
Comment: HMCN1: BP4, BS2

Illumina Laboratory Services, Illumina
Classification: Likely benign for Age related macular degeneration 1. Last evaluated: 2018-01-13. Review status: criteria provided, single submitter. Criteria: ICSL Variant Classification Criteria 13 December 2019. Collection method: clinical testing. Allele origin: germline.
Comment: This variant was observed in the ICSL laboratory as part of a predisposition screen in an ostensibly healthy population. It had not been previously curated by ICSL or reported in the Human Gene Mutation Database (HGMD: prior to June 1st, 2018), and was therefore a candidate for classification through an automated scoring system. Utilizing variant allele frequency, disease prevalence and penetrance estimates, and inheritance mode, an automated score was calculated to assess if this variant is too frequent to cause the disease. Based on the score and internal cut-off values, a variant classified as likely benign is not then subjected to further curation. The score for this variant resulted in a classification of likely benign for this disease.

Breakthrough Genomics
Classification: Likely benign. Review status: criteria provided, single submitter. Criteria: ACMG Guidelines, 2015. Collection method: not provided. Allele origin: germline. Inheritance: Autosomal dominant inheritance. Affected: yes.